The following is an entry in ClinVar:

NM_024685.4(BBS10):c.1814_1815del (p.Asn605fs)

Gene: BBS10 (Bardet-Biedl syndrome 10; minus strand). Cytogenetic location: 12q21.2.
Variant type: Deletion.
Coding change: c.1814_1815del on transcript NM_024685.4 (MANE Select); coding-DNA positions 1814 to 1815, 2 bases deleted (AT; older notation c.1814_1815delAT).
Protein change: p.Asn605fs; shifts the reading frame from asparagine 605.
Molecular consequence: frameshift variant.
Genome position (GRCh38, 1-based): chr12:76,346,170-76,346,171, AT deleted on the plus strand (AT on the coding strand, the reverse complement: BBS10 is on the minus strand). VCF-style (leftmost placement, unchanged base first): chr12-76346169-AAT-A. GRCh37 (hg19) VCF-style: chr12-76739949-AAT-A.
Other names: c.1814_1815del (NM_024685.3); short protein forms N605fs.
Identifiers: ClinVar variation 1366812 (VCV001366812.9), dbSNP rs2136089877, ClinGen allele CA2573148987.
Genomic context (GRCh38, chr12:76,346,169, plus strand): 5'-CTTCTGATTGATGGCATTTTTTGGCATAATTGAGAAGATAGTAATGTAACAAGATCTCAA[AAT>A]TACCACCTACTGGCAAAACACAACCAGCTGGCATAGATGAGGAAAGGTAACTCTGGGAAG-3'

ClinVar aggregate classification (germline): Pathogenic/Likely pathogenic. Review status: criteria provided, multiple submitters, no conflicts (2 of 4 stars). 2 submissions from 2 submitters: Pathogenic (1); Likely pathogenic (1). Last evaluated 2024-05-20.

Conditions:
Bardet-Biedl syndrome (BBS). Identifiers: Orphanet 110, MedGen C0752166, MONDO:0015229.
Bardet-Biedl syndrome 10 (BBS10). Identifiers: Orphanet 110, MedGen C1859568, MONDO:0014438, OMIM 615987.

Submissions (2):

Natera, Inc.
Classification: Likely pathogenic for Bardet-Biedl syndrome type 10. Last evaluated: 2024-05-20. Review status: criteria provided, single submitter. Criteria: Natera Variant Classification Schema (03/2026). Collection method: clinical testing. Allele origin: germline.
Comment: The c.1814_1815del variant in BBS10 is a frameshift variant predicted to shift the reading frame beginning at codon 605 and leads to a stop codon 2 codons downstream. This variant is expected to result in nonsense mediated decay, truncation, or a dysfunctional protein product. This variant is rare in the general population with a frequency below the threshold expected for the associated phenotype(s). Given the available evidence, this variant is classified as Likely Pathogenic.

Labcorp Genetics (formerly Invitae), Labcorp
Classification: Pathogenic for Bardet-Biedl syndrome. Last evaluated: 2021-04-06. Review status: criteria provided, single submitter. Criteria: Invitae Variant Classification Sherloc (09022015). Collection method: clinical testing. Allele origin: germline.
Comment: This variant disrupts the C-terminus of the BBS10 protein. Other variant(s) that disrupt this region (p.Val707*) have been determined to be pathogenic (PMID: 25982971, 22773737, 27486776, 20472660). This suggests that variants that disrupt this region of the protein are likely to be causative of disease. This sequence change creates a premature translational stop signal (p.Asn605Ilefs*2) in the BBS10 gene. While this is not anticipated to result in nonsense mediated decay, it is expected to disrupt the last 119 amino acid(s) of the BBS10 protein. This variant is not present in population databases (ExAC no frequency). This variant has not been reported in the literature in individuals with BBS10-related conditions. For these reasons, this variant has been classified as Pathogenic.

Literature cited by the submitters: PubMed 25982971 (cited by Labcorp Genetics (formerly Invitae), Labcorp); PubMed 22773737 (cited by Labcorp Genetics (formerly Invitae), Labcorp); PubMed 27486776 (cited by Labcorp Genetics (formerly Invitae), Labcorp); PubMed 20472660 (cited by Labcorp Genetics (formerly Invitae), Labcorp).